The following is an entry in ClinVar:

NM_000283.4(PDE6B):c.925C>T (p.Arg309Trp)

Genes: PDE6B (phosphodiesterase 6B; plus strand), PDE6B-AS1 (PDE6B antisense RNA 1; minus strand). Cytogenetic location: 4p16.3.
Variant type: single nucleotide variant.
Coding change: c.925C>T on transcript NM_000283.4 (MANE Select); coding-DNA position 925, C replaced by T.
Protein change: p.Arg309Trp; replaces arginine 309 with tryptophan.
Molecular consequence: missense variant. On other transcripts: 5 prime UTR variant (1).
Genome position (GRCh38, 1-based): chr4:654,152, C>T. VCF-style: chr4-654152-C-T. GRCh37 (hg19) VCF-style: chr4-647941-C-T.
Other names: c.925C>T, p.Arg309Trp (NM_001145291.2); c.88C>T, p.Arg30Trp (NM_001145292.2, NM_001350154.3, NM_001379246.1 and 1 more transcripts); c.-116C>T (NM_001350155.3); short protein forms R309W, R30W.
Identifiers: ClinVar variation 1489387 (VCV001489387.7), dbSNP rs764673374, ClinGen allele CA2794177.
Genomic context (GRCh38, chr4:654,152, plus strand): 5'-GTGTGGTCTGTGCTGATGGGAGAGTCCCAGCCGTACTCGGGCCCACGCACGCCTGATGGC[C>T]GGGTGAGTCTTAGGGGAGGGGCCCAGGGCCTGTCCACACGCCTCTGTTTCCCTGACTCCA-3'
Protein context (NP_000274.3, residues 299-319): PYSGPRTPDG[Arg309Trp]EIVFYKVIDY

ClinVar aggregate classification (germline): Uncertain significance. Review status: criteria provided, multiple submitters, no conflicts (2 of 4 stars). 2 submissions from 2 submitters: Uncertain significance (2). Last evaluated 2023-10-01.

Conditions:
Retinal dystrophy. Also called: Inherited retinal dystrophy. Identifiers: Orphanet 71862, MedGen C0854723, MeSH D058499, MONDO:0019118, HP:0000556.

Allele frequency attached by ClinVar (database versions not stated): TOPMed below 0.00001; gnomAD 0.00001; gnomAD exomes 0.00001; ExAC 0.00002.
gnomAD v4.1: 10 of 1,612,866 alleles (0.00062%); highest among the groups gnomAD compares: East Asian, 0.0022%; no homozygotes.

Submissions (2):

Dept Of Ophthalmology, Nagoya University
Classification: Uncertain significance for Retinal dystrophy. Last evaluated: 2023-10-01. Review status: criteria provided, single submitter. Criteria: Submitter's publication. Collection method: research. Allele origin: germline. Affected: yes.

Labcorp Genetics (formerly Invitae), Labcorp
Classification: Uncertain significance. Last evaluated: 2022-07-05. Review status: criteria provided, single submitter. Criteria: Invitae Variant Classification Sherloc (09022015). Collection method: clinical testing. Allele origin: germline.
Comment: In summary, the available evidence is currently insufficient to determine the role of this variant in disease. Therefore, it has been classified as a Variant of Uncertain Significance. Algorithms developed to predict the effect of missense changes on protein structure and function are either unavailable or do not agree on the potential impact of this missense change (SIFT: "Deleterious"; PolyPhen-2: "Probably Damaging"; Align-GVGD: "Class C0"). ClinVar contains an entry for this variant (Variation ID: 1489387). This variant has not been reported in the literature in individuals affected with PDE6B-related conditions. This variant is present in population databases (rs764673374, gnomAD 0.004%). This sequence change replaces arginine, which is basic and polar, with tryptophan, which is neutral and slightly polar, at codon 309 of the PDE6B protein (p.Arg309Trp).